The following is an entry in ClinVar:

ClinVar aggregate classification (germline): Likely benign (1 of 4 stars; one submission).

Allele frequency attached by ClinVar (database versions not stated): gnomAD 0.00016; gnomAD exomes 0.00020; TOPMed 0.00020; ESP Exome Variant Server 0.00046.
gnomAD v4.1: 318 of 1,613,648 alleles (0.02%); highest among the groups gnomAD compares: Non-Finnish European, 0.025%; 1 homozygote.

Submission:

CeGaT Center for Human Genetics Tuebingen
Classification: Likely benign. Last evaluated: 2026-04-01. Review status: criteria provided, single submitter. Criteria: CeGaT Center For Human Genetics Tuebingen Variant Classification Criteria Version 2. Collection method: clinical testing. Allele origin: germline. Affected: yes. Observed: 2 variant alleles.
Comment: FLG: BP1, BP4

NM_002016.2(FLG):c.7274A>C (p.Glu2425Ala)

Genes: CCDST (cervical cancer associated DHX9 suppressive transcript; plus strand), FLG (filaggrin; minus strand). Cytogenetic location: 1q21.3.
Variant type: single nucleotide variant.
Coding change: c.7274A>C on transcript NM_002016.2 (MANE Select); coding-DNA position 7274, A replaced by C.
Protein change: p.Glu2425Ala; replaces glutamic acid 2425 with alanine.
Molecular consequence: missense variant.
Genome position (GRCh38, 1-based): chr1:152,307,612, T>G on the plus strand (A>C on the coding strand, the complement: FLG is on the minus strand). VCF-style: chr1-152307612-T-G. GRCh37 (hg19) VCF-style: chr1-152280088-T-G.
Other names: short protein forms E2425A.
Identifiers: ClinVar variation 2639270 (VCV002639270.24), dbSNP rs148955202, ClinGen allele CA1104818.